The following is an entry in ClinVar:

ClinVar aggregate classification (germline): Uncertain significance (1 of 4 stars; one submission).

Allele frequency attached by ClinVar (database versions not stated): gnomAD exomes below 0.00001; gnomAD 0.00001.
gnomAD v4.1: 4 of 1,605,262 alleles (0.00025%); highest among the groups gnomAD compares: African/African-American, 0.0027%; no homozygotes.

Submission:

GeneDx
Classification: Uncertain significance. Last evaluated: 2022-01-25. Review status: criteria provided, single submitter. Criteria: GeneDx Variant Classification Process June 2021. Collection method: clinical testing. Allele origin: germline. Affected: yes.
Comment: Not observed at significant frequency in large population cohorts (gnomAD); In silico analysis supports that this missense variant has a deleterious effect on protein structure/function; Has not been previously published as pathogenic or benign to our knowledge

NM_015340.4(LARS2):c.1663G>C (p.Asp555His)

Genes: LARS2 (leucyl-tRNA synthetase 2, mitochondrial; plus strand), LARS2-AS1 (LARS2 antisense RNA 1; minus strand). Cytogenetic location: 3p21.31.
Variant type: single nucleotide variant.
Coding change: c.1663G>C on transcript NM_015340.4 (MANE Select); coding-DNA position 1663, G replaced by C.
Protein change: p.Asp555His; replaces aspartic acid 555 with histidine.
Molecular consequence: missense variant.
Genome position (GRCh38, 1-based): chr3:45,500,482, G>C. VCF-style: chr3-45500482-G-C. GRCh37 (hg19) VCF-style: chr3-45541974-G-C.
Other names: c.1663G>C, p.Asp555His (NM_001368263.1); short protein forms D555H.
Identifiers: ClinVar variation 1698080 (VCV001698080.2), dbSNP rs1209939319, ClinGen allele CA352426974.